The following is an entry in ClinVar:

ClinVar aggregate classification (germline): Uncertain significance (1 of 4 stars; one submission).

Submission:

Labcorp Genetics (formerly Invitae), Labcorp
Classification: Uncertain significance. Last evaluated: 2025-06-18. Review status: criteria provided, single submitter. Criteria: Invitae Variant Classification Sherloc (09022015). Collection method: clinical testing. Allele origin: germline.
Comment: This sequence change replaces aspartic acid, which is acidic and polar, with asparagine, which is neutral and polar, at codon 884 of the STAG2 protein (p.Asp884Asn). This variant is not present in population databases (gnomAD no frequency). This variant has not been reported in the literature in individuals affected with STAG2-related conditions. Invitae Evidence Modeling of protein sequence and biophysical properties (such as structural, functional, and spatial information, amino acid conservation, physicochemical variation, residue mobility, and thermodynamic stability) indicates that this missense variant is not expected to disrupt STAG2 protein function with a negative predictive value of 80%. In summary, the available evidence is currently insufficient to determine the role of this variant in disease. Therefore, it has been classified as a Variant of Uncertain Significance.

NM_001042750.2(STAG2):c.2650G>A (p.Asp884Asn)

Gene: STAG2 (STAG2 cohesin complex component; plus strand). Cytogenetic location: Xq25.
Variant type: single nucleotide variant.
Coding change: c.2650G>A on transcript NM_001042750.2 (MANE Select); coding-DNA position 2650, G replaced by A.
Protein change: p.Asp884Asn; replaces aspartic acid 884 with asparagine.
Molecular consequence: missense variant.
Genome position (GRCh38, 1-based): chrX:124,076,448, G>A. VCF-style: chrX-124076448-G-A. GRCh37 (hg19) VCF-style: chrX-123210298-G-A.
Other names: c.2650G>A, p.Asp884Asn (NM_001042749.2, NM_001042751.2, NM_001282418.2 and 23 more transcripts); short protein forms D884N.
Identifiers: ClinVar variation 4743620 (VCV004743620.1).